The following is an entry in ClinVar:

NM_000318.3(PEX2):c.673A>G (p.Ile225Val)

Gene: PEX2 (peroxisomal biogenesis factor 2; minus strand). Cytogenetic location: 8q21.13.
Variant type: single nucleotide variant.
Coding change: c.673A>G on transcript NM_000318.3 (MANE Select); coding-DNA position 673, A replaced by G.
Protein change: p.Ile225Val; replaces isoleucine 225 with valine.
Molecular consequence: missense variant.
Genome position (GRCh38, 1-based): chr8:76,983,506, T>C on the plus strand (A>G on the coding strand, the complement: PEX2 is on the minus strand). VCF-style: chr8-76983506-T-C. GRCh37 (hg19) VCF-style: chr8-77895742-T-C.
Other names: c.673A>G, p.Ile225Val (NM_001079867.2, NM_001172086.2, NM_001172087.2); c.673A>G (NM_000318.2); short protein forms I225V.
Identifiers: ClinVar variation 2195488 (VCV002195488.2), dbSNP rs769853234, ClinGen allele CA4788669.

ClinVar aggregate classification (germline): Uncertain significance. Review status: criteria provided, multiple submitters, no conflicts (2 of 4 stars). 2 submissions from 2 submitters: Uncertain significance (2). Last evaluated 2024-11-26.

Conditions:
Inborn genetic diseases. Identifiers: MedGen C0950123, MeSH D030342.
Peroxisome biogenesis disorder 5A (Zellweger) (PBD5A). Identifiers: Orphanet 912, MedGen C3553940, MONDO:0013932, OMIM 614866.

Allele frequency attached by ClinVar (database versions not stated): gnomAD exomes below 0.00001; ExAC 0.00001; gnomAD 0.00001; TOPMed 0.00002.
gnomAD v4.1: 6 of 1,613,976 alleles (0.00037%); highest among the groups gnomAD compares: African/African-American, 0.0053%; no homozygotes.

Submissions (2):

Ambry Genetics
Classification: Uncertain significance for Inborn genetic diseases. Last evaluated: 2024-11-26. Review status: criteria provided, single submitter. Criteria: Ambry Variant Classification Scheme 2023. Collection method: clinical testing. Allele origin: germline.

Labcorp Genetics (formerly Invitae), Labcorp
Classification: Uncertain significance for Peroxisome biogenesis disorder 5A (Zellweger). Last evaluated: 2022-08-16. Review status: criteria provided, single submitter. Criteria: Invitae Variant Classification Sherloc (09022015). Collection method: clinical testing. Allele origin: germline.
Comment: This sequence change replaces isoleucine, which is neutral and non-polar, with valine, which is neutral and non-polar, at codon 225 of the PEX2 protein (p.Ile225Val). This variant is present in population databases (rs769853234, gnomAD 0.02%). This variant has not been reported in the literature in individuals affected with PEX2-related conditions. Algorithms developed to predict the effect of missense changes on protein structure and function output the following: SIFT: "Tolerated"; PolyPhen-2: "Benign"; Align-GVGD: "Class C0". The valine amino acid residue is found in multiple mammalian species, which suggests that this missense change does not adversely affect protein function. In summary, the available evidence is currently insufficient to determine the role of this variant in disease. Therefore, it has been classified as a Variant of Uncertain Significance.